The following is an entry in ClinVar:

ClinVar aggregate classification (germline): Benign (1 of 4 stars; one submission).

Conditions:
Neurodegeneration with brain iron accumulation 4 (NBIA4). Also called: MITOCHONDRIAL PROTEIN-ASSOCIATED NEURODEGENERATION. Identifiers: Orphanet 289560, MedGen C3280371, MONDO:0013674, OMIM 614298. Disease mechanism: loss of function.

Allele frequency attached by ClinVar (database versions not stated): 1000 Genomes Project 30x 0.00578; 1000 Genomes Project 0.00579; ExAC 0.00855; TOPMed 0.01051; gnomAD 0.01056 and 0.01080; gnomAD exomes 0.01056 and 0.01214.

Submission:

Illumina Laboratory Services, Illumina
Classification: Benign for Neurodegeneration with brain iron accumulation 4. Last evaluated: 2018-01-13. Review status: criteria provided, single submitter. Criteria: ICSL Variant Classification Criteria 13 December 2019. Collection method: clinical testing. Allele origin: germline.
Comment: This variant was observed in the ICSL laboratory as part of a predisposition screen in an ostensibly healthy population. It had not been previously curated by ICSL or reported in the Human Gene Mutation Database (HGMD: prior to June 1st, 2018), and was therefore a candidate for classification through an automated scoring system. Utilizing variant allele frequency, disease prevalence and penetrance estimates, and inheritance mode, an automated score was calculated to assess if this variant is too frequent to cause the disease. Based on the score and internal cut-off values, a variant classified as benign is not then subjected to further curation. The score for this variant resulted in a classification of benign for this disease.

NM_031448.6(C19orf12):c.*3372C>T

Gene: C19orf12 (chromosome 19 open reading frame 12; minus strand). Cytogenetic location: 19q12.
Variant type: single nucleotide variant.
Coding change: c.*3372C>T on transcript NM_031448.6 (MANE Select); 3372 bases downstream of the stop codon, C replaced by T.
Molecular consequence: 3 prime UTR variant.
Genome position (GRCh38, 1-based): chr19:29,699,340, G>A on the plus strand (C>T on the coding strand, the complement: C19orf12 is on the minus strand). VCF-style: chr19-29699340-G-A. GRCh37 (hg19) VCF-style: chr19-30190247-G-A.
Other names: c.*3372C>T (NM_001031726.4, NM_001256047.2, NM_001282929.1 and 2 more transcripts); c.*3419C>T (NM_001256046.3).
Identifiers: ClinVar variation 328663 (VCV000328663.5), dbSNP rs117537955, ClinGen allele CA9351626.
Genomic context (GRCh38, chr19:29,699,340, plus strand): 5'-ACATGGTGAAACCCCGTCTCTACTAAAAATAAAAAAAAAATAAAAAAATAAAAATTAGCC[G>A]GGCATGGTGGCGGGCGACTGTAGTCAAAGCTACTCGGGAGGCTGAGGCAGGAGAATGGCT-3'